The following is an entry in ClinVar:

ClinVar aggregate classification (germline): Uncertain significance (1 of 4 stars; one submission).

Submission:

Labcorp Genetics (formerly Invitae), Labcorp
Classification: Uncertain significance. Last evaluated: 2025-11-05. Review status: criteria provided, single submitter. Criteria: Invitae Variant Classification Sherloc (09022015). Collection method: clinical testing. Allele origin: germline.
Comment: This variant, c.37_54dup, results in the insertion of 6 amino acid(s) of the CLCN6 protein (p.Arg13_Cys18dup), but otherwise preserves the integrity of the reading frame. This variant is present in population databases (rs754787159, gnomAD 0.03%). This variant has not been reported in the literature in individuals affected with CLCN6-related conditions. ClinVar contains an entry for this variant (Variation ID: 1498230). Experimental studies and prediction algorithms are not available or were not evaluated, and the functional significance of this variant is currently unknown. In summary, the available evidence is currently insufficient to determine the role of this variant in disease. Therefore, it has been classified as a Variant of Uncertain Significance.

NM_001286.5(CLCN6):c.37_54dup (p.Arg13_Cys18dup)

Gene: CLCN6 (chloride voltage-gated channel 6; plus strand). Cytogenetic location: 1p36.22.
Variant type: Duplication.
Coding change: c.37_54dup on transcript NM_001286.5 (MANE Select); coding-DNA positions 37 to 54, 18 bases duplicated (AGGTGGTGCTGCTGCTGC).
Protein change: p.Arg13_Cys18dup.
Molecular consequence: inframe insertion. On other transcripts: non-coding transcript variant (1).
Genome position (GRCh38, 1-based): chr1:11,806,299-11,806,316, AGGTGGTGCTGCTGCTGC duplicated; duplicating any 18 consecutive bases within chr1:11,806,286-11,806,316 gives the same sequence; the c. name uses the placement nearest the transcript's 3' end. VCF-style (leftmost placement, unchanged base first): chr1-11806285-T-TGTGCTGCTGCTGCAGGTG. GRCh37 (hg19) VCF-style: chr1-11866342-T-TGTGCTGCTGCTGCAGGTG.
Other names: c.37_54dup, p.Arg13_Cys18dup (NM_001256959.2).
Identifiers: ClinVar variation 1498230 (VCV001498230.8), dbSNP rs754787159, ClinGen allele CA595846.